The following is an entry in ClinVar:

NM_000051.4(ATM):c.5937_5938delinsGT (p.Gly1980Ter)

Genes: ATM (ATM serine/threonine kinase; plus strand), C11orf65 (chromosome 11 open reading frame 65; minus strand). Cytogenetic location: 11q22.3.
Variant type: Indel.
Coding change: c.5937_5938delinsGT on transcript NM_000051.4 (MANE Select); coding-DNA positions 5937 to 5938, AG replaced by GT.
Protein change: p.Gly1980Ter; replaces glycine 1980 with a stop codon.
Molecular consequence: nonsense. On other transcripts: intron variant (2).
Genome position (GRCh38, 1-based): chr11:108,312,429-108,312,430, AG replaced by GT. VCF-style: chr11-108312429-AG-GT. GRCh37 (hg19) VCF-style: chr11-108183156-AG-GT.
Other names: c.5937_5938delinsGT, p.Gly1980Ter (NM_001351834.2); c.641-3359_641-3358delinsAC (NM_001330368.2); c.*39-3359_*39-3358delinsAC (NM_001351110.2); short protein forms G1980*.
Identifiers: ClinVar variation 3148337 (VCV003148337.1), dbSNP rs2547052544, ClinGen allele CA2825001925.
Genomic context (GRCh38, chr11:108,312,429, plus strand): 5'-ATAGTATGTTCTCATTAAAAGAGGTGTTCTTGTGACAAACAGAAGTCTTGCATTTGAAGA[AG>GT]GAAGCCAGAGTACAACTATTTCTAGCTTGAGTGAAAAAAGTAAAGAAGAAACTGGAATAA-3'

ClinVar aggregate classification (germline): Pathogenic (1 of 4 stars; one submission).

Conditions:
Familial cancer of breast. Also called: hereditary breast carcinoma; BREAST CANCER, FAMILIAL; Hereditary breast cancer. Identifiers: Orphanet 227535, MedGen C0346153, MONDO:0016419, OMIM 114480. Disease mechanism: loss of function.

Submission:

Myriad Genetics, Inc.
Classification: Pathogenic for Familial cancer of breast. Last evaluated: 2024-01-26. Review status: criteria provided, single submitter. Criteria: Myriad Autosomal Dominant, Autosomal Recessive and X-Linked Classification Criteria (2023). Collection method: clinical testing. Allele origin: unknown.
Comment: This variant is considered pathogenic. This variant creates a termination codon and is predicted to result in premature protein truncation.